The following is an entry in ClinVar:

ClinVar aggregate classification (germline): Conflicting classifications of pathogenicity. Review status: criteria provided, conflicting classifications (1 of 4 stars). 3 submissions from 3 submitters: Uncertain significance (2); Likely benign (1). Last evaluated 2026-01-13.

Conditions:
Inborn genetic diseases. Identifiers: MedGen C0950123, MeSH D030342.
Deafness-lymphedema-leukemia syndrome. Also called: Emberger syndrome; Lymphedema, primary, with myelodysplasia. Identifiers: Orphanet 3226, MedGen C3279664, MONDO:0013540, OMIM 614038.
Monocytopenia with susceptibility to infections. Also called: MONOCYTOPENIA AND MYCOBACTERIAL INFECTION SYNDROME; MONOCYTOPENIA WITH SUSCEPTIBILITY TO MYCOBACTERIAL, FUNGAL, AND PAPILLOMAVIRUS INFECTIONS AND MYELODYSPLASIA; COMBINED IMMUNODEFICIENCY WITH SUSCEPTIBILITY TO MYCOBACTERIAL, VIRAL, AND FUNGAL INFECTIONS; Dendritic cell, monocyte, B lymphocyte, and natural killer lymphocyte deficiency; IMMUNODEFICIENCY 21; GATA2 DEFICIENCY. Identifiers: Orphanet 228423, MedGen C3280030, MONDO:0013607, OMIM 614172.

Allele frequency attached by ClinVar (database versions not stated): gnomAD exomes 0.00001; ExAC 0.00002; gnomAD 0.00002 and 0.00003.

Submissions (3):

Labcorp Genetics (formerly Invitae), Labcorp
Classification: Likely benign for Monocytopenia with susceptibility to infections; Deafness-lymphedema-leukemia syndrome. Last evaluated: 2026-01-13. Review status: criteria provided, single submitter. Criteria: Invitae Variant Classification Sherloc (09022015). Collection method: clinical testing. Allele origin: germline.

Ambry Genetics
Classification: Uncertain significance for Inborn genetic diseases. Last evaluated: 2025-01-08. Review status: criteria provided, single submitter. Criteria: Ambry Variant Classification Scheme 2023. Collection method: clinical testing. Allele origin: germline.
Comment: The c.1018-5C>T intronic variant results from a C to T substitution 5 nucleotides upstream from coding exon 4 in the GATA2 gene. This nucleotide position is well conserved in available vertebrate species. In silico splice site analysis predicts that this alteration will not have any significant effect on splicing. Based on the available evidence, the clinical significance of this variant remains unclear.

GeneDx
Classification: Uncertain significance. Last evaluated: 2023-03-17. Review status: criteria provided, single submitter. Criteria: GeneDx Variant Classification Process June 2021. Collection method: clinical testing. Allele origin: germline. Affected: yes.
Comment: Not observed at significant frequency in large population cohorts (gnomAD); In silico analysis supports that this variant does not alter splicing; Has not been previously published as pathogenic or benign to our knowledge

NM_032638.5(GATA2):c.1018-5C>T

Gene: GATA2 (GATA binding protein 2; minus strand). Cytogenetic location: 3q21.3.
Variant type: single nucleotide variant.
Coding change: c.1018-5C>T on transcript NM_032638.5 (MANE Select); 5 bases into the intron before coding-DNA position 1018, C replaced by T.
Molecular consequence: intron variant.
Genome position (GRCh38, 1-based): chr3:128,481,949, G>A on the plus strand (C>T on the coding strand, the complement: GATA2 is on the minus strand). VCF-style: chr3-128481949-G-A. GRCh37 (hg19) VCF-style: chr3-128200792-G-A.
Other names: c.1018-47C>T (NM_001145662.1); c.1018-5C>T (NM_001145661.2).
Identifiers: ClinVar variation 412751 (VCV000412751.13), dbSNP rs769196688, ClinGen allele CA2599883.